The following is an entry in ClinVar:

NM_021008.4(DEAF1):c.1631C>T (p.Ala544Val)

Gene: DEAF1 (DEAF1 transcription factor; minus strand). Cytogenetic location: 11p15.5.
Variant type: single nucleotide variant.
Coding change: c.1631C>T on transcript NM_021008.4 (MANE Select); coding-DNA position 1631, C replaced by T.
Protein change: p.Ala544Val; replaces alanine 544 with valine.
Molecular consequence: missense variant.
Genome position (GRCh38, 1-based): chr11:644,617, G>A on the plus strand (C>T on the coding strand, the complement: DEAF1 is on the minus strand). VCF-style: chr11-644617-G-A. GRCh37 (hg19) VCF-style: chr11-644617-G-A.
Other names: c.1406C>T, p.Ala469Val (NM_001293634.2); c.905C>T, p.Ala302Val (NM_001367390.1, NM_001440885.1, NM_001440886.1 and 1 more transcripts); c.1541C>T, p.Ala514Val (NM_001440883.1); c.1502C>T, p.Ala501Val (NM_001440884.1); short protein forms A302V, A469V, A501V, A544V, A514V.
Identifiers: ClinVar variation 4746215 (VCV004746215.1).

ClinVar aggregate classification (germline): Uncertain significance (1 of 4 stars; one submission).

Submission:

Labcorp Genetics (formerly Invitae), Labcorp
Classification: Uncertain significance. Last evaluated: 2026-01-17. Review status: criteria provided, single submitter. Criteria: Invitae Variant Classification Sherloc (09022015). Collection method: clinical testing. Allele origin: germline.
Comment: This sequence change replaces alanine, which is neutral and non-polar, with valine, which is neutral and non-polar, at codon 544 of the DEAF1 protein (p.Ala544Val). This variant is not present in population databases (gnomAD no frequency). This variant has not been reported in the literature in individuals affected with DEAF1-related conditions. Invitae Evidence Modeling of protein sequence and biophysical properties (such as structural, functional, and spatial information, amino acid conservation, physicochemical variation, residue mobility, and thermodynamic stability) has been performed for this missense variant. However, the output from this modeling did not meet the statistical confidence thresholds required to predict the impact of this variant on DEAF1 protein function. In summary, the available evidence is currently insufficient to determine the role of this variant in disease. Therefore, it has been classified as a Variant of Uncertain Significance.